The following is an entry in ClinVar:

ClinVar aggregate classification (germline): Pathogenic (1 of 4 stars; one submission).

Submission:

Labcorp Genetics (formerly Invitae), Labcorp
Classification: Pathogenic. Last evaluated: 2023-04-08. Review status: criteria provided, single submitter. Criteria: Invitae Variant Classification Sherloc (09022015). Collection method: clinical testing. Allele origin: germline.
Comment: For these reasons, this variant has been classified as Pathogenic. This variant disrupts a region of the WNT1 protein in which other variant(s) (p.Val355) have been determined to be pathogenic (PMID: 23434763, 25010833). This suggests that this is a clinically significant region of the protein, and that variants that disrupt it are likely to be disease-causing. This variant has not been reported in the literature in individuals affected with WNT1-related conditions. This variant is not present in population databases (gnomAD no frequency). This sequence change creates a premature translational stop signal (p.Ser318*) in the WNT1 gene. While this is not anticipated to result in nonsense mediated decay, it is expected to disrupt the last 53 amino acid(s) of the WNT1 protein.

Literature cited by the submitters: PubMed 23434763; PubMed 25010833.

NM_005430.4(WNT1):c.953C>A (p.Ser318Ter)

Gene: WNT1 (Wnt family member 1; plus strand). Cytogenetic location: 12q13.12.
Variant type: single nucleotide variant.
Coding change: c.953C>A on transcript NM_005430.4 (MANE Select); coding-DNA position 953, C replaced by A.
Protein change: p.Ser318Ter; replaces serine 318 with a stop codon.
Molecular consequence: nonsense.
Genome position (GRCh38, 1-based): chr12:48,981,480, C>A. VCF-style: chr12-48981480-C-A. GRCh37 (hg19) VCF-style: chr12-49375263-C-A.
Other names: short protein forms S318*.
Identifiers: ClinVar variation 2853704 (VCV002853704.3), dbSNP rs976018078, ClinGen allele CA384637526.